The following is an entry in ClinVar:

NM_017534.6(MYH2):c.3854G>A (p.Arg1285His)

Genes: MYH2 (myosin heavy chain 2; minus strand), MYHAS (myosin heavy chain gene cluster antisense RNA; plus strand). Cytogenetic location: 17p13.1.
Variant type: single nucleotide variant.
Coding change: c.3854G>A on transcript NM_017534.6 (MANE Select); coding-DNA position 3854, G replaced by A.
Protein change: p.Arg1285His; replaces arginine 1285 with histidine.
Molecular consequence: missense variant.
Genome position (GRCh38, 1-based): chr17:10,527,765, C>T on the plus strand (G>A on the coding strand, the complement: MYH2 is on the minus strand). VCF-style: chr17-10527765-C-T. GRCh37 (hg19) VCF-style: chr17-10431082-C-T.
Other names: c.3854G>A, p.Arg1285His (NM_001100112.2); short protein forms R1285H.
Identifiers: ClinVar variation 639121 (VCV000639121.13), dbSNP rs148326504, ClinGen allele CA8390791.

ClinVar aggregate classification (germline): Uncertain significance. Review status: criteria provided, multiple submitters, no conflicts (2 of 4 stars). 4 submissions from 4 submitters: Uncertain significance (4). Last evaluated 2026-01-24.

Conditions:
Inborn genetic diseases. Identifiers: MedGen C0950123, MeSH D030342.
Myopathy, proximal, and ophthalmoplegia (CMYO6). Also called: MYOPATHY WITH CONGENITAL JOINT CONTRACTURES, OPHTHALMOPLEGIA, AND RIMMED VACUOLES; INCLUSION BODY MYOPATHY 3, AUTOSOMAL DOMINANT; CONGENITAL MYOPATHY 6 WITH OPHTHALMOPLEGIA. Identifiers: Orphanet 363677, Orphanet 79091, MedGen C1854106, MONDO:0011577, OMIM 605637.

Allele frequency attached by ClinVar (database versions not stated): gnomAD exomes 0.00005 and 0.00009; ESP Exome Variant Server 0.00008; ExAC 0.00009; gnomAD 0.00015 and 0.00017; TOPMed 0.00023.
gnomAD v4.1: 101 of 1,613,982 alleles (0.0063%); highest among the groups gnomAD compares: African/African-American, 0.049%; no homozygotes.

Submissions (4):

Labcorp Genetics (formerly Invitae), Labcorp
Classification: Uncertain significance for Myopathy, proximal, and ophthalmoplegia. Last evaluated: 2026-01-24. Review status: criteria provided, single submitter. Criteria: Invitae Variant Classification Sherloc (09022015). Collection method: clinical testing. Allele origin: germline.
Comment: This sequence change replaces arginine, which is basic and polar, with histidine, which is basic and polar, at codon 1285 of the MYH2 protein (p.Arg1285His). This variant is present in population databases (rs148326504, gnomAD 0.04%). This variant has not been reported in the literature in individuals affected with MYH2-related conditions. ClinVar contains an entry for this variant (Variation ID: 639121). Invitae Evidence Modeling of protein sequence and biophysical properties (such as structural, functional, and spatial information, amino acid conservation, physicochemical variation, residue mobility, and thermodynamic stability) indicates that this missense variant is expected to disrupt MYH2 protein function with a positive predictive value of 80%. In summary, the available evidence is currently insufficient to determine the role of this variant in disease. Therefore, it has been classified as a Variant of Uncertain Significance.

Women's Health and Genetics/Laboratory Corporation of America, LabCorp
Classification: Uncertain significance. Last evaluated: 2025-11-19. Review status: criteria provided, single submitter. Criteria: LabCorp Variant Classification Summary - May 2015. Collection method: clinical testing. Allele origin: germline.
Comment: Variant summary: MYH2 c.3854G>A (p.Arg1285His) results in a non-conservative amino acid change in the encoded protein sequence. Algorithms developed to predict the effect of missense changes on protein structure and function all suggest that this variant is likely to be disruptive. The variant allele was found at a frequency of 9.2e-05 in 251310 control chromosomes. This frequency is not significantly higher than estimated for disease-causing variants in MYH2, allowing no conclusion about variant significance. To our knowledge, no occurrence of c.3854G>A in individuals affected with MYH2-related conditions and no experimental evidence demonstrating its impact on protein function have been reported. ClinVar contains an entry for this variant (Variation ID: 639121). Based on the evidence outlined above, the variant was classified as uncertain significance.

Ambry Genetics
Classification: Uncertain significance for Inborn genetic diseases. Last evaluated: 2025-08-14. Review status: criteria provided, single submitter. Criteria: Ambry Variant Classification Scheme 2023. Collection method: clinical testing. Allele origin: germline.

GeneDx
Classification: Uncertain significance. Last evaluated: 2019-12-16. Review status: criteria provided, single submitter. Criteria: GeneDx Variant Classification Process June 2021. Collection method: clinical testing. Allele origin: germline. Affected: yes.
Comment: In silico analysis, which includes protein predictors and evolutionary conservation, supports a deleterious effect; Has not been previously published as pathogenic or benign to our knowledge